The following is an entry in ClinVar:

ClinVar aggregate classification (germline): Uncertain significance (1 of 4 stars; one submission).

Allele frequency attached by ClinVar (database versions not stated): ExAC 0.00001.
gnomAD v4.1: 1 of 1,613,750 alleles (0.000062%); highest among the groups gnomAD compares: Non-Finnish European, 0.000085%; no homozygotes.

Submission:

Labcorp Genetics (formerly Invitae), Labcorp
Classification: Uncertain significance. Last evaluated: 2024-02-16. Review status: criteria provided, single submitter. Criteria: Invitae Variant Classification Sherloc (09022015). Collection method: clinical testing. Allele origin: germline.
Comment: This sequence change replaces phenylalanine, which is neutral and non-polar, with tyrosine, which is neutral and polar, at codon 189 of the GNAT2 protein (p.Phe189Tyr). This variant is present in population databases (rs753083112, gnomAD 0.0009%). This variant has not been reported in the literature in individuals affected with GNAT2-related conditions. Advanced modeling of protein sequence and biophysical properties (such as structural, functional, and spatial information, amino acid conservation, physicochemical variation, residue mobility, and thermodynamic stability) performed at Invitae indicates that this missense variant is not expected to disrupt GNAT2 protein function with a negative predictive value of 80%. In summary, the available evidence is currently insufficient to determine the role of this variant in disease. Therefore, it has been classified as a Variant of Uncertain Significance.

NM_001377295.2(GNAT2):c.566T>A (p.Phe189Tyr)

Gene: GNAT2 (G protein subunit alpha transducin 2; minus strand). Cytogenetic location: 1p13.3.
Variant type: single nucleotide variant.
Coding change: c.566T>A on transcript NM_001377295.2 (MANE Select); coding-DNA position 566, T replaced by A.
Protein change: p.Phe189Tyr; replaces phenylalanine 189 with tyrosine.
Molecular consequence: missense variant.
Genome position (GRCh38, 1-based): chr1:109,606,332, A>T on the plus strand (T>A on the coding strand, the complement: GNAT2 is on the minus strand). VCF-style: chr1-109606332-A-T. GRCh37 (hg19) VCF-style: chr1-110148954-A-T.
Other names: c.566T>A, p.Phe189Tyr (NM_001379232.1, NM_005272.5); short protein forms F189Y.
Identifiers: ClinVar variation 2838718 (VCV002838718.3), dbSNP rs753083112, ClinGen allele CA992390.